The following is an entry in ClinVar:

NM_130839.5(UBE3A):c.839A>G (p.Tyr280Cys)

Genes: SNHG14 (small nucleolar RNA host gene 14; plus strand), UBE3A (ubiquitin protein ligase E3A; minus strand). Cytogenetic location: 15q11.2.
Variant type: single nucleotide variant.
Coding change: c.839A>G on transcript NM_130839.5 (MANE Select); coding-DNA position 839, A replaced by G.
Protein change: p.Tyr280Cys; replaces tyrosine 280 with cysteine.
Molecular consequence: missense variant. On other transcripts: non-coding transcript variant (1), intron variant (2).
Genome position (GRCh38, 1-based): chr15:25,371,335, T>C on the plus strand (A>G on the coding strand, the complement: UBE3A is on the minus strand). VCF-style: chr15-25371335-T-C. GRCh37 (hg19) VCF-style: chr15-25616482-T-C.
Other names: c.848A>G, p.Tyr283Cys (NM_000462.5); c.839A>G, p.Tyr280Cys (NM_001354505.1, NM_001354538.2, NM_001354545.2); c.779A>G, p.Tyr260Cys (NM_001354506.2, NM_001354507.2, NM_001354508.2 and 17 more transcripts); c.301+4130A>G (NM_001354551.2); c.361+4130A>G (NM_001354550.2); c.662A>G, p.Tyr221Cys (NM_001354546.2); short protein forms Y221C, Y260C, Y280C, Y283C.
Identifiers: ClinVar variation 3603235 (VCV003603235.1).

ClinVar aggregate classification (germline): Uncertain significance (1 of 4 stars; one submission).

Submission:

GeneDx
Classification: Uncertain significance. Last evaluated: 2024-08-06. Review status: criteria provided, single submitter. Criteria: GeneDx Variant Classification Process June 2021. Collection method: clinical testing. Allele origin: germline. Affected: yes.
Comment: Not observed at significant frequency in large population cohorts (gnomAD); In silico analysis supports that this missense variant has a deleterious effect on protein structure/function; Has not been previously published as pathogenic or benign to our knowledge